The following is an entry in ClinVar:

NM_004958.4(MTOR):c.2786A>G (p.Tyr929Cys)

Gene: MTOR (mechanistic target of rapamycin kinase; minus strand). Cytogenetic location: 1p36.22.
Variant type: single nucleotide variant.
Coding change: c.2786A>G on transcript NM_004958.4 (MANE Select); coding-DNA position 2786, A replaced by G.
Protein change: p.Tyr929Cys; replaces tyrosine 929 with cysteine.
Molecular consequence: missense variant.
Genome position (GRCh38, 1-based): chr1:11,228,912, T>C on the plus strand (A>G on the coding strand, the complement: MTOR is on the minus strand). VCF-style: chr1-11228912-T-C. GRCh37 (hg19) VCF-style: chr1-11288969-T-C.
Other names: c.2786A>G, p.Tyr929Cys (NM_001386500.1); c.1538A>G, p.Tyr513Cys (NM_001386501.1); short protein forms Y513C, Y929C.
Identifiers: ClinVar variation 2629271 (VCV002629271.4), dbSNP rs538735107, ClinGen allele CA590366.

ClinVar aggregate classification (germline): Uncertain significance. Review status: criteria provided, multiple submitters, no conflicts (2 of 4 stars). 3 submissions from 3 submitters: Uncertain significance (3). Last evaluated 2024-10-17.

Conditions:
MTOR-related disorder. Also called: MTOR-related condition.
Inborn genetic diseases. Identifiers: MedGen C0950123, MeSH D030342.

Allele frequency attached by ClinVar (database versions not stated): ExAC 0.00001; gnomAD exomes 0.00001; TOPMed 0.00001; gnomAD 0.00003; 1000 Genomes Project 30x 0.00016; 1000 Genomes Project 0.00020.

Submissions (3):

Labcorp Genetics (formerly Invitae), Labcorp
Classification: Uncertain significance. Last evaluated: 2024-10-17. Review status: criteria provided, single submitter. Criteria: Invitae Variant Classification Sherloc (09022015). Collection method: clinical testing. Allele origin: germline.
Comment: This sequence change replaces tyrosine, which is neutral and polar, with cysteine, which is neutral and slightly polar, at codon 929 of the MTOR protein (p.Tyr929Cys). This variant is present in population databases (rs538735107, gnomAD 0.004%). This variant has not been reported in the literature in individuals affected with MTOR-related conditions. ClinVar contains an entry for this variant (Variation ID: 2629271). Invitae Evidence Modeling of protein sequence and biophysical properties (such as structural, functional, and spatial information, amino acid conservation, physicochemical variation, residue mobility, and thermodynamic stability) indicates that this missense variant is not expected to disrupt MTOR protein function with a negative predictive value of 95%. In summary, the available evidence is currently insufficient to determine the role of this variant in disease. Therefore, it has been classified as a Variant of Uncertain Significance.

Ambry Genetics
Classification: Uncertain significance for Inborn genetic diseases. Last evaluated: 2024-08-19. Review status: criteria provided, single submitter. Criteria: Ambry Variant Classification Scheme 2023. Collection method: clinical testing. Allele origin: germline.

PreventionGenetics, part of Exact Sciences
Classification: Uncertain significance for MTOR-related condition. Last evaluated: 2022-12-15. Review status: criteria provided, single submitter. Criteria: ACMG Guidelines, 2015. Collection method: clinical testing. Allele origin: germline.
Comment: The MTOR c.2786A>G variant is predicted to result in the amino acid substitution p.Tyr929Cys. To our knowledge, this variant has not been reported in the literature. This variant is reported in 0.0040% of alleles in individuals of African descent in gnomAD. At this time, the clinical significance of this variant is uncertain due to the absence of conclusive functional and genetic evidence.